The following is an entry in ClinVar:

ClinVar aggregate classification (germline): Likely benign (1 of 4 stars; one submission).

Allele frequency attached by ClinVar (database versions not stated): gnomAD exomes 0.00001.
gnomAD v4.1: 5 of 1,156,096 alleles (0.00043%); highest among the groups gnomAD compares: Non-Finnish European, 0.00057%; no homozygotes.

Submission:

CeGaT Center for Human Genetics Tuebingen
Classification: Likely benign. Last evaluated: 2022-07-01. Review status: criteria provided, single submitter. Criteria: CeGaT Center For Human Genetics Tuebingen Variant Classification Criteria Version 2. Collection method: clinical testing. Allele origin: germline. Affected: yes. Observed: 1 variant allele.
Comment: ARMCX4: PM2:Supporting, BP4, BP7

NM_001256155.3(ARMCX4):c.3312C>T (p.Asp1104=)

Gene: ARMCX4 (armadillo repeat containing X-linked 4; plus strand). Cytogenetic location: Xq22.1.
Variant type: single nucleotide variant.
Coding change: c.3312C>T on transcript NM_001256155.3 (MANE Select); coding-DNA position 3312, C replaced by T.
Protein change: p.Asp1104=; no amino-acid change (aspartic acid 1104 retained).
Molecular consequence: synonymous variant.
Genome position (GRCh38, 1-based): chrX:101,491,901, C>T. VCF-style: chrX-101491901-C-T. GRCh37 (hg19) VCF-style: chrX-100746888-C-T.
Identifiers: ClinVar variation 2661063 (VCV002661063.24), dbSNP rs986906315, ClinGen allele CA333112203.